The following is an entry in ClinVar:

ClinVar aggregate classification (germline): Uncertain significance (1 of 4 stars; one submission).

gnomAD v4.1: 4 of 1,563,660 alleles (0.00026%); highest among the groups gnomAD compares: Non-Finnish European, 0.00035%; no homozygotes.

Submission:

Labcorp Genetics (formerly Invitae), Labcorp
Classification: Uncertain significance. Last evaluated: 2025-10-26. Review status: criteria provided, single submitter. Criteria: Invitae Variant Classification Sherloc (09022015). Collection method: clinical testing. Allele origin: germline.
Comment: This sequence change replaces cysteine, which is neutral and slightly polar, with arginine, which is basic and polar, at codon 2056 of the CACNA1B protein (p.Cys2056Arg). This variant is present in population databases (no rsID available, gnomAD 0.001%). This variant has not been reported in the literature in individuals affected with CACNA1B-related conditions. An algorithm developed to predict the effect of missense changes on protein structure and function (PolyPhen-2) suggests that this variant is likely to be disruptive. In summary, the available evidence is currently insufficient to determine the role of this variant in disease. Therefore, it has been classified as a Variant of Uncertain Significance.

NM_000718.4(CACNA1B):c.6166T>C (p.Cys2056Arg)

Gene: CACNA1B (calcium voltage-gated channel subunit alpha1 B; plus strand). Cytogenetic location: 9q34.3.
Variant type: single nucleotide variant.
Coding change: c.6166T>C on transcript NM_000718.4 (MANE Select); coding-DNA position 6166, T replaced by C.
Protein change: p.Cys2056Arg; replaces cysteine 2056 with arginine.
Molecular consequence: missense variant.
Genome position (GRCh38, 1-based): chr9:138,120,300, T>C. VCF-style: chr9-138120300-T-C. GRCh37 (hg19) VCF-style: chr9-141014752-T-C.
Other names: c.6166T>C, p.Cys2056Arg (NM_001243812.2); short protein forms C2056R.
Identifiers: ClinVar variation 4751800 (VCV004751800.1).